The following is an entry in ClinVar:

ClinVar aggregate classification (germline): Pathogenic (1 of 4 stars; one submission).

Conditions:
Leukocyte adhesion deficiency 1 (LAD1). Also called: LEUKOCYTE ADHESION DEFICIENCY, TYPE I; LAD 1; Lymphocyte function-associated antigen 1 immunodeficiency; LFA 1 immunodeficiency. Identifiers: Orphanet 2968, Orphanet 99842, MedGen C0398738, MONDO:0007293, OMIM 116920.

Submission:

Labcorp Genetics (formerly Invitae), Labcorp
Classification: Pathogenic for Leukocyte adhesion deficiency 1. Last evaluated: 2022-10-30. Review status: criteria provided, single submitter. Criteria: Invitae Variant Classification Sherloc (09022015). Collection method: clinical testing. Allele origin: germline.
Comment: This sequence change creates a premature translational stop signal (p.Phe426Leufs*11) in the ITGB2 gene. It is expected to result in an absent or disrupted protein product. Loss-of-function variants in ITGB2 are known to be pathogenic (PMID: 22134107, 25703682). For these reasons, this variant has been classified as Pathogenic. This variant has not been reported in the literature in individuals affected with ITGB2-related conditions. This variant is not present in population databases (gnomAD no frequency).

Literature cited by the submitters: PubMed 22134107; PubMed 25703682.

NM_000211.5(ITGB2):c.1275del (p.Phe426fs)

Gene: ITGB2 (integrin subunit beta 2; minus strand). Cytogenetic location: 21q22.3.
Variant type: Deletion.
Coding change: c.1275del on transcript NM_000211.5 (MANE Select); coding-DNA position 1275, one base deleted (G; older notation c.1275delG).
Protein change: p.Phe426fs; shifts the reading frame from phenylalanine 426.
Molecular consequence: frameshift variant.
Genome position (GRCh38, 1-based): chr21:44,891,946, C deleted on the plus strand (G on the coding strand, the reverse complement: ITGB2 is on the minus strand). VCF-style (leftmost placement, unchanged base first): chr21-44891945-AC-A. GRCh37 (hg19) VCF-style: chr21-46311860-AC-A.
Other names: c.1275del, p.Phe426fs (NM_001127491.3); c.1068del, p.Phe357fs (NM_001303238.2); short protein forms F357fs, F426fs.
Identifiers: ClinVar variation 2810773 (VCV002810773.3), dbSNP rs2517088205, ClinGen allele CA2739267682.